The following is an entry in ClinVar:

ClinVar aggregate classification (germline): Conflicting classifications of pathogenicity. Review status: criteria provided, conflicting classifications (1 of 4 stars). 7 submissions from 7 submitters: Uncertain significance (4); Likely benign (2). 1 of the submissions does not count toward it. Last evaluated 2026-02-17.

Conditions:
Hereditary cancer-predisposing syndrome. Also called: Neoplastic Syndromes, Hereditary; Hereditary Cancer Syndrome; Hereditary neoplastic syndrome; Tumor predisposition. Identifiers: Orphanet 140162, MedGen C0027672, MeSH D009386, MONDO:0015356.
Breast-ovarian cancer, familial, susceptibility to, 2 (BROVCA2). Also called: BRCA2 Hereditary Breast and Ovarian Cancer. Identifiers: Orphanet 145, MedGen C2675520, MONDO:0012933, OMIM 612555. Disease mechanism: loss of function.
Hereditary breast ovarian cancer syndrome. Also called: Hereditary breast and ovarian cancer syndrome (HBOC); Hereditary breast and/or ovarian cancer syndrome; Breast and ovarian cancer; Hereditary breast and ovarian cancer syndrome; Hereditary breast and ovarian cancer; BRCA1- and BRCA2-Associated Hereditary Breast and Ovarian Cancer. Identifiers: Orphanet 145, MedGen C0677776, MeSH D061325, MONDO:0003582. Disease mechanism: loss of function.

Submissions (7):

Myriad Genetics, Inc.
Classification: Likely benign for Breast-ovarian cancer, familial, susceptibility to, 2. Last evaluated: 2026-02-17. Review status: criteria provided, single submitter. Criteria: Myriad Autosomal Dominant, Autosomal Recessive and X-Linked Classification Criteria (2023). Collection method: clinical testing. Allele origin: unknown.
Comment: This variant is considered likely benign. This variant is strongly associated with less severe personal and family histories of cancer, typical for individuals without pathogenic variants in this gene [PMID: 25085752].

Labcorp Genetics (formerly Invitae), Labcorp
Classification: Uncertain significance for Hereditary breast ovarian cancer syndrome. Last evaluated: 2025-07-24. Review status: criteria provided, single submitter. Criteria: Invitae Variant Classification Sherloc (09022015). Collection method: clinical testing. Allele origin: germline.
Comment: This sequence change replaces tyrosine, which is neutral and polar, with serine, which is neutral and polar, at codon 761 of the BRCA2 protein (p.Tyr761Ser). This variant is not present in population databases (gnomAD no frequency). This variant has not been reported in the literature in individuals affected with BRCA2-related conditions. ClinVar contains an entry for this variant (Variation ID: 252819). Invitae Evidence Modeling of protein sequence and biophysical properties (such as structural, functional, and spatial information, amino acid conservation, physicochemical variation, residue mobility, and thermodynamic stability) indicates that this missense variant is not expected to disrupt BRCA2 protein function with a negative predictive value of 95%. In summary, the available evidence is currently insufficient to determine the role of this variant in disease. Therefore, it has been classified as a Variant of Uncertain Significance.

Quest Diagnostics Nichols Institute San Juan Capistrano
Classification: Uncertain significance. Last evaluated: 2023-12-13. Review status: criteria provided, single submitter. Criteria: Quest Diagnostics criteria. Collection method: clinical testing. Allele origin: unknown.
Comment: The BRCA2 c.2282A>C (p.Tyr761Ser) variant has been reported in the published literature in to be located in a region of the BRCA2 gene that is tolerant to missense sequence changes (PMID: 31911673 (2020)). To the best of our knowledge, this variant has not been reported in individuals with BRCA2-related disorders. This variant has not been reported in large, multi-ethnic general populations (Genome Aggregation Database). Analysis of this variant using bioinformatics tools for the prediction of the effect of amino acid changes on protein structure and function yielded predictions that this variant is benign. Based on the available information, we are unable to determine the clinical significance of this variant.

Ambry Genetics
Classification: Uncertain significance for Hereditary cancer-predisposing syndrome. Last evaluated: 2023-10-12. Review status: criteria provided, single submitter. Criteria: Ambry Variant Classification Scheme 2023. Collection method: clinical testing. Allele origin: germline.
Comment: The p.Y761S variant (also known as c.2282A>C), located in coding exon 10 of the BRCA2 gene, results from an A to C substitution at nucleotide position 2282. The tyrosine at codon 761 is replaced by serine, an amino acid with dissimilar properties. This amino acid position is conserved. In addition, this alteration is predicted to be tolerated by in silico analysis. Since supporting evidence is limited at this time, the clinical significance of this alteration remains unclear.

University of Washington Department of Laboratory Medicine, University of Washington
Classification: Likely benign for Hereditary cancer-predisposing syndrome. Last evaluated: 2023-03-23. Review status: criteria provided, single submitter. Criteria: Dines et al. (Genet Med. 2020). Collection method: curation. Allele origin: germline.
Comment: Missense variant in a coldspot region where missense variants are very unlikely to be pathogenic (PMID:31911673).

BRCA2 exon 11 coldspot. Reclassification based on statistical prior probability.

Color Diagnostics, LLC DBA Color Health
Classification: Uncertain significance for Hereditary cancer-predisposing syndrome. Last evaluated: 2022-12-14. Review status: criteria provided, single submitter. Criteria: ACMG Guidelines, 2015. Collection method: clinical testing. Allele origin: germline.
Comment: This missense variant replaces tyrosine with serine at codon 761 of the BRCA2 protein. Computational prediction suggests that this variant may not impact protein structure and function (internally defined REVEL score threshold <= 0.5, PMID: 27666373). To our knowledge, functional studies have not been reported for this variant. This variant has not been reported in individuals affected with BRCA2-related disorders in the literature. This variant has not been identified in the general population by the Genome Aggregation Database (gnomAD). The available evidence is insufficient to determine the role of this variant in disease conclusively. Therefore, this variant is classified as a Variant of Uncertain Significance.

Sharing Clinical Reports Project (SCRP)
Classification: Uncertain significance for Breast-ovarian cancer, familial 2. Last evaluated: 2008-06-09. Review status: no assertion criteria provided. Collection method: clinical testing. Allele origin: germline. Not counted in ClinVar's aggregate classification.

Literature cited by the submitters: PubMed 25085752 (cited by Myriad Genetics, Inc.); PubMed 31911673 (cited by Quest Diagnostics Nichols Institute San Juan Capistrano).

NM_000059.4(BRCA2):c.2282A>C (p.Tyr761Ser)

Gene: BRCA2 (BRCA2 DNA repair associated; plus strand). Cytogenetic location: 13q13.1.
Variant type: single nucleotide variant.
Coding change: c.2282A>C on transcript NM_000059.4 (MANE Select); coding-DNA position 2282, A replaced by C.
Protein change: p.Tyr761Ser; replaces tyrosine 761 with serine.
Molecular consequence: missense variant.
Genome position (GRCh38, 1-based): chr13:32,336,637, A>C. VCF-style: chr13-32336637-A-C. GRCh37 (hg19) VCF-style: chr13-32910774-A-C.
Other names: 2510A>C; short protein forms Y761S.
Identifiers: ClinVar variation 252819 (VCV000252819.17), dbSNP rs879255443, ClinGen allele CA10586058.
Genomic context (GRCh38, chr13:32,336,637, plus strand): 5'-TACAACATTCAAAAGTGGAATACAGTGATACTGACTTTCAATCCCAGAAAAGTCTTTTAT[A>C]TGATCATGAAAATGCCAGCACTCTTATTTTAACTCCTACTTCCAAGGATGTTCTGTCAAA-3'
Protein context (NP_000050.3, residues 751-771): TDFQSQKSLL[Tyr761Ser]DHENASTLIL